The following is an entry in ClinVar:

NM_005585.5(SMAD6):c.950C>G (p.Ser317Ter)

Gene: SMAD6 (SMAD family member 6; plus strand). Cytogenetic location: 15q22.31.
Variant type: single nucleotide variant.
Coding change: c.950C>G on transcript NM_005585.5 (MANE Select); coding-DNA position 950, C replaced by G.
Protein change: p.Ser317Ter; replaces serine 317 with a stop codon.
Molecular consequence: nonsense. On other transcripts: non-coding transcript variant (1).
Genome position (GRCh38, 1-based): chr15:66,716,496, C>G. VCF-style: chr15-66716496-C-G. GRCh37 (hg19) VCF-style: chr15-67008834-C-G.
Other names: short protein forms S317*.
Identifiers: ClinVar variation 985274 (VCV000985274.5), dbSNP rs1333161839, ClinGen allele CA392951992.

ClinVar aggregate classification (germline): Likely pathogenic. Review status: criteria provided, single submitter (1 of 4 stars). 2 submissions from 2 submitters: Likely pathogenic (1). 1 of the submissions does not count toward it. Last evaluated 2020-09-03.

Conditions:
Inborn genetic diseases. Identifiers: MedGen C0950123, MeSH D030342.

Allele frequency attached by ClinVar (database versions not stated): gnomAD exomes below 0.00001.
gnomAD v4.1: 4 of 1,610,248 alleles (0.00025%); highest among the groups gnomAD compares: South Asian, 0.0011%; no homozygotes.

Submissions (2):

Ambry Genetics
Classification: Likely pathogenic for Inborn genetic diseases. Last evaluated: 2020-09-03. Review status: criteria provided, single submitter. Criteria: Ambry Variant Classification Scheme 2023. Collection method: clinical testing. Allele origin: germline.
Comment: The alteration results in a premature stop codon:_x000D_ _x000D_ The c.950C>G (p.S317*) alteration, located in coding exon 3 of the SMAD6 gene, results from a C to G substitution at nucleotide position 950. This changes the amino acid from a serine (S) to a stop codon at amino acid position 317. Premature stop codons are typically deleterious in nature; however, this stop codon occurs at the 3' terminus of SMAD6, is not expected to trigger nonsense-mediated mRNA decay, and a truncated protein could still be expressed (Maquat, 2004). This alteration removes the last 180 amino acids of the protein. The exact functional impact of these removed amino acids is unknown at this time; however, this alteration and additional truncating alterations downstream of this alteration have been reported in the literature as disease-causing. In addition, the truncated region contains a functionally important protein domain (see below). The alteration is rare in population databases:_x000D_ _x000D_ Based on data from the Genome Aggregation Database (gnomAD) database, the SMAD6 c.950C>G alteration was observed in 0.0004% (1/251490) of total alleles studied. The affected region contains a functionally important protein domain:_x000D_ _x000D_ The p.S317* amino acid would result in a loss of the conserved carboxy-terminal Mad homology 2 domain (MH2) from the resulting Smad6 protein. The MH2 domain is essential for the inhibition of TGF-&szlig; and BMP signaling (Hanyu, 2001). Based on the available evidence, this alteration is classified as likely pathogenic.

Diagnostics Centre, Carl Von Ossietzky University Oldenburg
Classification: Uncertain significance. Last evaluated: 2026-05-26. Review status: no assertion criteria provided. Collection method: clinical testing. Allele origin: germline. Affected: yes. Observed: 1 variant allele. Not counted in ClinVar's aggregate classification.

Literature cited by the submitters: PubMed 11739411 (cited by Ambry Genetics); PubMed 30796334 (cited by Ambry Genetics).